The following is an entry in ClinVar:

ClinVar aggregate classification (germline): Uncertain significance. Review status: criteria provided, multiple submitters, no conflicts (2 of 4 stars). 4 submissions from 4 submitters: Uncertain significance (4). Last evaluated 2025-12-08.

Conditions:
Hereditary cancer-predisposing syndrome. Also called: Hereditary Cancer Syndrome; Tumor predisposition; Hereditary neoplastic syndrome; Neoplastic Syndromes, Hereditary. Identifiers: Orphanet 140162, MedGen C0027672, MeSH D009386, MONDO:0015356.
Rhabdoid tumor predisposition syndrome 2 (RTPS2). Identifiers: Orphanet 231108, Orphanet 69077, MedGen C2750074, MONDO:0013224, OMIM 613325.
Intellectual disability, autosomal dominant 16 (CSS4). Also called: COFFIN-SIRIS SYNDROME 4. Identifiers: Orphanet 1465, MedGen C3553249, MONDO:0013821, OMIM 614609.

Submissions (4):

Labcorp Genetics (formerly Invitae), Labcorp
Classification: Uncertain significance for Rhabdoid tumor predisposition syndrome 2. Last evaluated: 2025-12-08. Review status: criteria provided, single submitter. Criteria: Invitae Variant Classification Sherloc (09022015). Collection method: clinical testing. Allele origin: germline.
Comment: This sequence change replaces serine, which is neutral and polar, with cysteine, which is neutral and slightly polar, at codon 1663 of the SMARCA4 protein (p.Ser1663Cys). This variant is not present in population databases (gnomAD no frequency). This missense change has been observed in individual(s) with clinical features of SMARCA4-related conditions (PMID: 37500730). This variant is also known as c.4891A>T, p.S1631. ClinVar contains an entry for this variant (Variation ID: 647335). Invitae Evidence Modeling of protein sequence and biophysical properties (such as structural, functional, and spatial information, amino acid conservation, physicochemical variation, residue mobility, and thermodynamic stability) has been performed for this missense variant. However, the output from this modeling did not meet the statistical confidence thresholds required to predict the impact of this variant on SMARCA4 protein function. In summary, the available evidence is currently insufficient to determine the role of this variant in disease. Therefore, it has been classified as a Variant of Uncertain Significance.

Ambry Genetics
Classification: Uncertain significance for Hereditary cancer-predisposing syndrome. Last evaluated: 2024-10-18. Review status: criteria provided, single submitter. Criteria: Ambry Variant Classification Scheme 2023. Collection method: clinical testing. Allele origin: germline.
Comment: The p.S1663C variant (also known as c.4987A>T), located in coding exon 34 of the SMARCA4 gene, results from an A to T substitution at nucleotide position 4987. The serine at codon 1663 is replaced by cysteine, an amino acid with dissimilar properties. This amino acid position is conserved. In addition, the in silico prediction for this alteration is inconclusive. Based on the available evidence, the clinical significance of this variant remains unclear.

Genome-Nilou Lab
Classification: Uncertain significance for Intellectual disability, autosomal dominant 16. Last evaluated: 2021-07-15. Review status: criteria provided, single submitter. Criteria: ACMG Guidelines, 2015. Collection method: clinical testing. Allele origin: germline. Affected: no.

Institute of Human Genetics, University of Leipzig Medical Center
Classification: Uncertain significance for Intellectual disability, autosomal dominant 16. Last evaluated: 2019-01-01. Review status: criteria provided, single submitter. Criteria: ACMG Guidelines, 2015. Collection method: clinical testing. Allele origin: unknown. Affected: yes.

Literature cited by the submitters: PubMed 37500730 (cited by Labcorp Genetics (formerly Invitae), Labcorp).

NM_003072.5(SMARCA4):c.4891A>T (p.Ser1631Cys)

Gene: SMARCA4 (SWI/SNF related BAF chromatin remodeling complex subunit ATPase 4; plus strand). Cytogenetic location: 19p13.2.
Variant type: single nucleotide variant.
Coding change: c.4891A>T on transcript NM_003072.5 (MANE Select); coding-DNA position 4891, A replaced by T.
Protein change: p.Ser1631Cys; replaces serine 1631 with cysteine.
Molecular consequence: missense variant. On other transcripts: non-coding transcript variant (1).
Genome position (GRCh38, 1-based): chr19:11,060,167, A>T. VCF-style: chr19-11060167-A-T. GRCh37 (hg19) VCF-style: chr19-11170843-A-T.
Other names: c.4891A>T, p.Ser1631Cys (NM_001128844.3); c.4801A>T, p.Ser1601Cys (NM_001128845.2); c.4798A>T, p.Ser1600Cys (NM_001128846.2); c.4792A>T, p.Ser1598Cys (NM_001128847.4, NM_001374457.1); c.4789A>T, p.Ser1597Cys (NM_001128848.2); c.4987A>T, p.Ser1663Cys (NM_001128849.3, NM_001387283.1); short protein forms S1600C, S1601C, S1663C, S1598C, S1597C, S1631C.
Identifiers: ClinVar variation 647335 (VCV000647335.14), dbSNP rs1600649575, ClinGen allele CA404080943.